The following is an entry in ClinVar:

ClinVar aggregate classification (germline): Pathogenic (1 of 4 stars; one submission).

Conditions:
Pontocerebellar hypoplasia type 2E. Identifiers: Orphanet 247198, MedGen C4014488, MONDO:0014370, OMIM 615851.

Submission:

Myriad Genetics, Inc.
Classification: Pathogenic for Pontocerebellar hypoplasia type 2E. Last evaluated: 2026-03-26. Review status: criteria provided, single submitter. Criteria: Myriad Autosomal Dominant, Autosomal Recessive and X-Linked Classification Criteria (2023). Collection method: clinical testing. Allele origin: unknown.
Comment: NM_001128159.2(VPS53):c.307_310dupGCTA(I104Sfs*17) is a frameshift variant classified as pathogenic in the context of pontocerebellar hypoplasia, VPS53-related. I104Sfs*17 has not been observed in cases with relevant disease. Relevant functional assessments of this variant are not available in the literature. I104Sfs*17 has not been observed in referenced population frequency databases. In summary, NM_001128159.2(VPS53):c.307_310dupGCTA(I104Sfs*17) is a frameshift variant in a gene where loss of function is a known mechanism of disease and is predicted to disrupt protein function. Please note: this variant was assessed in the context of healthy population screening.

NM_001128159.3(VPS53):c.307_310dup (p.Ile104fs)

Gene: VPS53 (VPS53 subunit of GARP complex; minus strand). Cytogenetic location: 17p13.3.
Variant type: Duplication.
Coding change: c.307_310dup on transcript NM_001128159.3 (MANE Select); coding-DNA positions 307 to 310, 4 bases duplicated (GCTA; older notation c.307_310dupGCTA).
Protein change: p.Ile104fs; shifts the reading frame from isoleucine 104.
Molecular consequence: frameshift variant. On other transcripts: 5 prime UTR variant (1), intron variant (1).
Genome position (GRCh38, 1-based): chr17:661,871-661,874, TAGC duplicated on the plus strand (GCTA on the coding strand, the reverse complement: VPS53 is on the minus strand); duplicating any 4 consecutive bases within chr17:661,871-661,875 gives the same sequence; the c. name uses the placement nearest the transcript's 3' end. VCF-style (leftmost placement, unchanged base first): chr17-661870-A-ATAGC. GRCh37 (hg19) VCF-style: chr17-565110-A-ATAGC.
Other names: c.307_310dup, p.Ile104fs (NM_001366253.2); c.-386_-383dup (NM_001366254.2); c.286-5921_286-5918dup (NM_018289.4); short protein forms I104fs.
Identifiers: ClinVar variation 5003961 (VCV005003961.1).